The following is an entry in ClinVar:

ClinVar aggregate classification (germline): Uncertain significance (1 of 4 stars; one submission).

Submission:

CeGaT Center for Human Genetics Tuebingen
Classification: Uncertain significance. Last evaluated: 2024-09-01. Review status: criteria provided, single submitter. Criteria: CeGaT Center For Human Genetics Tuebingen Variant Classification Criteria Version 2. Collection method: clinical testing. Allele origin: germline. Affected: yes. Observed: 1 variant allele.
Comment: GABRA3: PM2, BP4

NM_000808.4(GABRA3):c.1318C>A (p.Gln440Lys)

Gene: GABRA3 (gamma-aminobutyric acid type A receptor subunit alpha3; minus strand). Cytogenetic location: Xq28.
Variant type: single nucleotide variant.
Coding change: c.1318C>A on transcript NM_000808.4 (MANE Select); coding-DNA position 1318, C replaced by A.
Protein change: p.Gln440Lys; replaces glutamine 440 with lysine.
Molecular consequence: missense variant.
Genome position (GRCh38, 1-based): chrX:152,168,389, G>T on the plus strand (C>A on the coding strand, the complement: GABRA3 is on the minus strand). VCF-style: chrX-152168389-G-T. GRCh37 (hg19) VCF-style: chrX-151336861-G-T.
Other names: short protein forms Q440K.
Identifiers: ClinVar variation 3389585 (VCV003389585.14).